The following is an entry in ClinVar:

ClinVar aggregate classification (germline): Pathogenic. Review status: criteria provided, multiple submitters, no conflicts (2 of 4 stars). 2 submissions from 2 submitters: Pathogenic (2). Last evaluated 2022-10-06.

Conditions:
Hereditary cancer-predisposing syndrome. Also called: Tumor predisposition; Hereditary neoplastic syndrome; Neoplastic Syndromes, Hereditary; Hereditary Cancer Syndrome. Identifiers: Orphanet 140162, MedGen C0027672, MeSH D009386, MONDO:0015356.

Submissions (2):

Ambry Genetics
Classification: Pathogenic for Hereditary cancer-predisposing syndrome. Last evaluated: 2022-10-06. Review status: criteria provided, single submitter. Criteria: Ambry Variant Classification Scheme 2023. Collection method: clinical testing. Allele origin: germline.
Comment: The c.594delT pathogenic mutation, located in coding exon 4 of the MSH3 gene, results from a deletion of one nucleotide at nucleotide position 594, causing a translational frameshift with a predicted alternate stop codon (p.F198Lfs*35). This variant is considered to be rare based on population cohorts in the Genome Aggregation Database (gnomAD). This alteration is expected to result in loss of function by premature protein truncation or nonsense-mediated mRNA decay. As such, this alteration is interpreted as a disease-causing mutation.

Labcorp Genetics (formerly Invitae), Labcorp
Classification: Pathogenic. Last evaluated: 2020-05-25. Review status: criteria provided, single submitter. Criteria: Invitae Variant Classification Sherloc (09022015). Collection method: clinical testing. Allele origin: germline.
Comment: This variant has not been reported in the literature in individuals with MSH3-related conditions. Loss-of-function variants in MSH3 are known to be pathogenic (PMID: 27476653). For these reasons, this variant has been classified as Pathogenic. This sequence change creates a premature translational stop signal (p.Phe198Leufs*35) in the MSH3 gene. It is expected to result in an absent or disrupted protein product. This variant is not present in population databases (ExAC no frequency).

Literature cited by the submitters: PubMed 27476653 (cited by Labcorp Genetics (formerly Invitae), Labcorp).

NM_002439.5(MSH3):c.594del (p.Phe198fs)

Gene: MSH3 (mutS homolog 3; plus strand). Cytogenetic location: 5q14.1.
Variant type: Deletion.
Coding change: c.594del on transcript NM_002439.5 (MANE Select); coding-DNA position 594, one base deleted (T; older notation c.594delT).
Protein change: p.Phe198fs; shifts the reading frame from phenylalanine 198.
Molecular consequence: frameshift variant.
Genome position (GRCh38, 1-based): chr5:80,670,111, T deleted; the last of 5 consecutive T bases (chr5:80,670,107-80,670,111); deleting any one gives the same sequence. VCF-style (leftmost placement, unchanged base first): chr5-80670106-CT-C. GRCh37 (hg19) VCF-style: chr5-79965925-CT-C.
Other names: short protein forms F198fs.
Identifiers: ClinVar variation 1074045 (VCV001074045.9), dbSNP rs2112812135, ClinGen allele CA2499217944.